The following is an entry in ClinVar:

NM_000021.4(PSEN1):c.821C>G (p.Thr274Arg)

Gene: PSEN1 (presenilin 1; plus strand). Cytogenetic location: 14q24.2.
Variant type: single nucleotide variant.
Coding change: c.821C>G on transcript NM_000021.4 (MANE Select); coding-DNA position 821, C replaced by G.
Protein change: p.Thr274Arg; replaces threonine 274 with arginine.
Molecular consequence: missense variant.
Genome position (GRCh38, 1-based): chr14:73,198,082, C>G. VCF-style: chr14-73198082-C-G. GRCh37 (hg19) VCF-style: chr14-73664790-C-G.
Other names: c.809C>G, p.Thr270Arg (NM_007318.3); short protein forms T274R, T270R.
Identifiers: ClinVar variation 98085 (VCV000098085.7), dbSNP rs63750284, ClinGen allele CA225127.

ClinVar aggregate classification (germline): Uncertain significance. Review status: criteria provided, single submitter (1 of 4 stars). 2 submissions from 2 submitters: Uncertain significance (1). 1 of the submissions does not count toward it. Last evaluated 2021-09-05.

Conditions:
Alzheimer disease 3 (AD3). Also called: ALZHEIMER DISEASE, FAMILIAL, 3. Identifiers: Orphanet 1020, MedGen C1843013, MONDO:0011913, OMIM 607822.
Acne inversa, familial, 3 (ACNINV3). Identifiers: MedGen C3151038, MONDO:0013398, OMIM 613737.
Frontotemporal dementia (FTD1). Also called: Frontotemporal Dementia with Parkinsonism-17 (FTDP-17); FRONTOTEMPORAL DEMENTIA WITH PARKINSONISM; FRONTOTEMPORAL LOBE DEMENTIA; MULTIPLE SYSTEM TAUOPATHY WITH PRESENILE DEMENTIA; Dementia, frontotemporal, with or without parkinsonism; WILHELMSEN-LYNCH DISEASE. Identifiers: Orphanet 282, MedGen C0338451, MONDO:0017276, OMIM 600274, HP:0002145.
Pick disease. Also called: PICK DISEASE OF BRAIN; DEMENTIA WITH LOBAR ATROPHY AND NEURONAL CYTOPLASMIC INCLUSIONS; LOBAR ATROPHY OF BRAIN; Pick's disease; Pick Disease of the Brain. Identifiers: Orphanet 282, MedGen C0236642, MONDO:0008243, OMIM 172700.

Submissions (2):

Labcorp Genetics (formerly Invitae), Labcorp
Classification: Uncertain significance for Alzheimer disease 3; Pick disease; Acne inversa, familial, 3; Frontotemporal dementia. Last evaluated: 2021-09-05. Review status: criteria provided, single submitter. Criteria: Invitae Variant Classification Sherloc (09022015). Collection method: clinical testing. Allele origin: germline.
Comment: Advanced modeling of protein sequence and biophysical properties (such as structural, functional, and spatial information, amino acid conservation, physicochemical variation, residue mobility, and thermodynamic stability) performed at Invitae indicates that this missense variant is expected to disrupt PSEN1 protein function. ClinVar contains an entry for this variant (Variation ID: 98085). This missense change has been observed in individual(s) with clinical features of PSEN1-related conditions (PMID: 11524469). This variant is not present in population databases (ExAC no frequency). This sequence change replaces threonine with arginine at codon 274 of the PSEN1 protein (p.Thr274Arg). The threonine residue is highly conserved and there is a moderate physicochemical difference between threonine and arginine. Experimental studies have shown that this missense change affects PSEN1 function (PMID: 27930341). In summary, the available evidence is currently insufficient to determine the role of this variant in disease. Therefore, it has been classified as a Variant of Uncertain Significance.

VIB  Department of Molecular Genetics, University of Antwerp
No classification provided. Review status: no classification provided. Collection method: not provided. Allele origin: not provided. Not counted in ClinVar's aggregate classification.

Literature cited by the submitters: PubMed 11524469 (cited by Labcorp Genetics (formerly Invitae), Labcorp); PubMed 27930341 (cited by Labcorp Genetics (formerly Invitae), Labcorp).